The following is an entry in ClinVar:

NM_032043.3(BRIP1):c.94-1G>A

Gene: BRIP1 (BRCA1 interacting DNA helicase 1; minus strand). Cytogenetic location: 17q23.2.
Variant type: single nucleotide variant.
Coding change: c.94-1G>A on transcript NM_032043.3 (MANE Select); the canonical splice acceptor site of the intron before coding-DNA position 94, G replaced by A.
Molecular consequence: splice acceptor variant.
Genome position (GRCh38, 1-based): chr17:61,859,908, C>T on the plus strand (G>A on the coding strand, the complement: BRIP1 is on the minus strand). VCF-style: chr17-61859908-C-T. GRCh37 (hg19) VCF-style: chr17-59937269-C-T.
Identifiers: ClinVar variation 2573316 (VCV002573316.4), dbSNP rs761653387, ClinGen allele CA400485886.
Genomic context (GRCh38, chr17:61,859,908, plus strand): 5'-TCCACTTCCTGTGGGACTCTCCAACAAACAATGTTGCTTGCTGTTTAATCCTCTGAGAAT[C>T]TATGAACACAGAAACCAATGAAAATAATAAACATATTAACTTTATAAAGGTCTCTCTCCA-3'

ClinVar aggregate classification (germline): Likely pathogenic. Review status: criteria provided, multiple submitters, no conflicts (2 of 4 stars). 2 submissions from 2 submitters: Likely pathogenic (2). Last evaluated 2023-11-25.

Conditions:
Familial cancer of breast. Also called: BREAST CANCER, FAMILIAL; hereditary breast carcinoma; Hereditary breast cancer. Identifiers: Orphanet 227535, MedGen C0346153, MONDO:0016419, OMIM 114480. Disease mechanism: loss of function.
Fanconi anemia complementation group J. Also called: BRIP1-Related Fanconi Anemia. Identifiers: Orphanet 84, MedGen C1836860, MONDO:0012187, OMIM 609054.

Submissions (2):

Labcorp Genetics (formerly Invitae), Labcorp
Classification: Likely pathogenic for Familial cancer of breast; Fanconi anemia complementation group J. Last evaluated: 2023-11-25. Review status: criteria provided, single submitter. Criteria: Invitae Variant Classification Sherloc (09022015). Collection method: clinical testing. Allele origin: germline.
Comment: This sequence change affects an acceptor splice site in intron 2 of the BRIP1 gene. It is expected to disrupt RNA splicing. Variants that disrupt the donor or acceptor splice site typically lead to a loss of protein function (PMID: 16199547), and loss-of-function variants in BRIP1 are known to be pathogenic (PMID: 16116423, 17033622, 21964575). This variant is not present in population databases (gnomAD no frequency). This variant has not been reported in the literature in individuals affected with BRIP1-related conditions. ClinVar contains an entry for this variant (Variation ID: 2573316). Algorithms developed to predict the effect of sequence changes on RNA splicing suggest that this variant may disrupt the consensus splice site. In summary, the currently available evidence indicates that the variant is pathogenic, but additional data are needed to prove that conclusively. Therefore, this variant has been classified as Likely Pathogenic.

Myriad Genetics, Inc.
Classification: Likely pathogenic for Familial cancer of breast. Last evaluated: 2023-03-07. Review status: criteria provided, single submitter. Criteria: Myriad Autosomal Dominant, Autosomal Recessive and X-Linked Classification Criteria (2023). Collection method: clinical testing. Allele origin: unknown.
Comment: This variant is considered likely pathogenic. This variant occurs within a consensus splice junction and is predicted to result in abnormal mRNA splicing of either an out-of-frame exon or an in-frame exon necessary for protein stability and/or normal function.

Literature cited by the submitters: PubMed 16199547 (cited by Labcorp Genetics (formerly Invitae), Labcorp); PubMed 16116423 (cited by Labcorp Genetics (formerly Invitae), Labcorp); PubMed 17033622 (cited by Labcorp Genetics (formerly Invitae), Labcorp); PubMed 21964575 (cited by Labcorp Genetics (formerly Invitae), Labcorp).